The following is an entry in ClinVar:

NM_001395002.1(MAP4K4):c.298C>T (p.Gln100Ter)

Gene: MAP4K4 (mitogen-activated protein kinase kinase kinase kinase 4; plus strand). Cytogenetic location: 2q11.2.
Variant type: single nucleotide variant.
Coding change: c.298C>T on transcript NM_001395002.1 (MANE Select); coding-DNA position 298, C replaced by T.
Protein change: p.Gln100Ter; replaces glutamine 100 with a stop codon.
Molecular consequence: nonsense. On other transcripts: non-coding transcript variant (4).
Genome position (GRCh38, 1-based): chr2:101,824,045, C>T. VCF-style: chr2-101824045-C-T. GRCh37 (hg19) VCF-style: chr2-102440507-C-T.
Other names: c.271C>T, p.Gln91Ter (NM_001384554.1, NM_001384555.1, NM_001384556.1 and 16 more transcripts); c.298C>T, p.Gln100Ter (NM_001242559.2, NM_001242560.2, NM_001384476.1 and 28 more transcripts); short protein forms Q100*, Q91*.
Identifiers: ClinVar variation 4796489 (VCV004796489.1).

ClinVar aggregate classification (germline): Likely pathogenic (1 of 4 stars; one submission).

Conditions:
Early-onset non-syndromic cataract. Also called: NUCLEAR SCLEROSIS OF THE LENS; Age-related nuclear cataract. Identifiers: Orphanet 91492, MedGen C1832423, MONDO:0011060, OMIM 601371, HP:0011142.

Submission:

Genetics Department, University Hospital of Toulouse
Classification: Likely pathogenic for Early-onset non-syndromic cataract. Last evaluated: 2025-10-05. Review status: criteria provided, single submitter. Criteria: ACMG Guidelines, 2015. Collection method: clinical testing. Allele origin: germline.
Comment: The NM_001395002.1:c.298C>T p.(Gln100*) is a non sens variant in the MAP4K4 gene. It was found de novo (both parents confirmed). It is absent from gnomad (v4.1), Clinvar and litterature. It is classified as LP: PVS1, PS2, PM2.